The following is an entry in ClinVar:

ClinVar aggregate classification (germline): Uncertain significance. Review status: criteria provided, multiple submitters, no conflicts (2 of 4 stars). 3 submissions from 3 submitters: Uncertain significance (3). Last evaluated 2025-03-10.

Conditions:
Hereditary cancer-predisposing syndrome. Also called: Hereditary neoplastic syndrome; Neoplastic Syndromes, Hereditary; Tumor predisposition; Hereditary Cancer Syndrome. Identifiers: Orphanet 140162, MedGen C0027672, MeSH D009386, MONDO:0015356.
Familial adenomatous polyposis 1 (FAP1). Also called: FAMILIAL ADENOMATOUS POLYPOSIS 1, ATTENUATED; POLYPOSIS, ADENOMATOUS INTESTINAL. Identifiers: MedGen C2713442, MONDO:0021056, OMIM 175100. Disease mechanism: loss of function.
Classic or attenuated familial adenomatous polyposis. Identifiers: MedGen CN372698, MONDO:0021057.

Submissions (3):

Ambry Genetics
Classification: Uncertain significance for Hereditary cancer-predisposing syndrome. Last evaluated: 2025-03-10. Review status: criteria provided, single submitter. Criteria: Ambry Variant Classification Scheme 2023. Collection method: clinical testing. Allele origin: germline.
Comment: The p.P1091A variant (also known as c.3271C>G), located in coding exon 15 of the APC gene, results from a C to G substitution at nucleotide position 3271. The proline at codon 1091 is replaced by alanine, an amino acid with highly similar properties. This amino acid position is conserved. In addition, in silico predictors for this gene do not accurately predict pathogenicity. Based on the available evidence, the clinical significance of this variant remains unclear.

All of Us Research Program, National Institutes of Health
Classification: Uncertain significance for Classic or attenuated familial adenomatous polyposis. Last evaluated: 2024-06-09. Review status: criteria provided, single submitter. Criteria: ACMG Guidelines, 2015. Collection method: clinical testing. Allele origin: germline. Inheritance: Autosomal dominant inheritance. Observed: 1 variant allele, 1 heterozygote.
Comment: This missense variant replaces proline with alanine at codon 1091 of the APC protein. Computational prediction suggests that this variant may not impact protein structure and function (internally defined REVEL score threshold <= 0.5, PMID: 27666373). To our knowledge, functional studies have not been reported for this variant. This variant has not been reported in individuals affected with APC-related disorders in the literature. This variant has not been identified in the general population by the Genome Aggregation Database (gnomAD). The available evidence is insufficient to determine the role of this variant in disease conclusively. Therefore, this variant is classified as a Variant of Uncertain Significance.

This study involves interpretation of variants in research participants for the purpose of population health screening. Participant phenotype was not available at the time of variant classification. Additional details can be found in publication PMID: 35346344, PMCID: PMC8962531

Labcorp Genetics (formerly Invitae), Labcorp
Classification: Uncertain significance for Familial adenomatous polyposis 1. Last evaluated: 2024-05-09. Review status: criteria provided, single submitter. Criteria: Invitae Variant Classification Sherloc (09022015). Collection method: clinical testing. Allele origin: germline.
Comment: This sequence change replaces proline, which is neutral and non-polar, with alanine, which is neutral and non-polar, at codon 1091 of the APC protein (p.Pro1091Ala). This variant is not present in population databases (gnomAD no frequency). This variant has not been reported in the literature in individuals affected with APC-related conditions. ClinVar contains an entry for this variant (Variation ID: 946437). Advanced modeling of protein sequence and biophysical properties (such as structural, functional, and spatial information, amino acid conservation, physicochemical variation, residue mobility, and thermodynamic stability) performed at Invitae indicates that this missense variant is not expected to disrupt APC protein function with a negative predictive value of 95%. In summary, the available evidence is currently insufficient to determine the role of this variant in disease. Therefore, it has been classified as a Variant of Uncertain Significance.

NM_000038.6(APC):c.3271C>G (p.Pro1091Ala)

Gene: APC (APC regulator of Wnt signaling pathway; plus strand). Cytogenetic location: 5q22.2.
Variant type: single nucleotide variant.
Coding change: c.3271C>G on transcript NM_000038.6 (MANE Select); coding-DNA position 3271, C replaced by G.
Protein change: p.Pro1091Ala; replaces proline 1091 with alanine.
Molecular consequence: missense variant.
Genome position (GRCh38, 1-based): chr5:112,838,865, C>G. VCF-style: chr5-112838865-C-G. GRCh37 (hg19) VCF-style: chr5-112174562-C-G.
Other names: c.3271C>G, p.Pro1091Ala (NM_001127510.3, NM_001354895.2); c.3217C>G, p.Pro1073Ala (NM_001127511.3); c.3325C>G, p.Pro1109Ala (NM_001354896.2); c.3301C>G, p.Pro1101Ala (NM_001354897.2); c.3196C>G, p.Pro1066Ala (NM_001354898.2); c.3187C>G, p.Pro1063Ala (NM_001354899.2); c.3148C>G, p.Pro1050Ala (NM_001354900.2); c.3094C>G, p.Pro1032Ala (NM_001354901.2); and 5 more; short protein forms P1050A, P1073A, P1091A, P1101A, P990A, P1000A, P1063A, P1066A.
Identifiers: ClinVar variation 946437 (VCV000946437.13), dbSNP rs950606475, ClinGen allele CA16028514.